The following is an entry in ClinVar:

ClinVar aggregate classification (germline): Pathogenic. Review status: criteria provided, multiple submitters, no conflicts (2 of 4 stars). 2 submissions from 2 submitters: Pathogenic (2). Last evaluated 2026-04-24.

Conditions:
Hereditary cancer-predisposing syndrome. Also called: Neoplastic Syndromes, Hereditary; Tumor predisposition; Hereditary Cancer Syndrome; Hereditary neoplastic syndrome. Identifiers: Orphanet 140162, MedGen C0027672, MeSH D009386, MONDO:0015356.
Familial cancer of breast. Also called: BREAST CANCER, FAMILIAL; Hereditary breast cancer; hereditary breast carcinoma. Identifiers: Orphanet 227535, MedGen C0346153, MONDO:0016419, OMIM 114480. Disease mechanism: loss of function.

Submissions (2):

Ambry Genetics
Classification: Pathogenic for Hereditary cancer-predisposing syndrome. Last evaluated: 2026-04-24. Review status: criteria provided, single submitter. Criteria: Ambry Variant Classification Scheme 2023. Collection method: clinical testing. Allele origin: germline.
Comment: The p.E8* pathogenic mutation (also known as c.22G>T), located in coding exon 1 of the CHEK2 gene, results from a G to T substitution at nucleotide position 22. This changes the amino acid from a glutamic acid to a stop codon within coding exon 1. This variant is considered to be rare based on population cohorts in the Genome Aggregation Database (gnomAD). This alteration is expected to result in loss of function by premature protein truncation or nonsense-mediated mRNA decay. As such, this alteration is interpreted as a disease-causing mutation.

Myriad Genetics, Inc.
Classification: Pathogenic for Familial cancer of breast. Last evaluated: 2023-06-22. Review status: criteria provided, single submitter. Criteria: Myriad Autosomal Dominant, Autosomal Recessive and X-Linked Classification Criteria (2023). Collection method: clinical testing. Allele origin: unknown.
Comment: This variant is considered pathogenic. This variant creates a termination codon and is predicted to result in premature protein truncation.

NM_007194.4(CHEK2):c.22G>T (p.Glu8Ter)

Gene: CHEK2 (checkpoint kinase 2; minus strand). Cytogenetic location: 22q12.1.
Variant type: single nucleotide variant.
Coding change: c.22G>T on transcript NM_007194.4 (MANE Select); coding-DNA position 22, G replaced by T.
Protein change: p.Glu8Ter; replaces glutamic acid 8 with a stop codon.
Molecular consequence: nonsense.
Genome position (GRCh38, 1-based): chr22:28,734,700, C>A on the plus strand (G>T on the coding strand, the complement: CHEK2 is on the minus strand). VCF-style: chr22-28734700-C-A. GRCh37 (hg19) VCF-style: chr22-29130688-C-A.
Other names: c.22G>T, p.Glu8Ter (NM_001005735.3, NM_001349956.3, NM_145862.3); c.-756G>T (NM_001257387.3); c.22G>T (NM_007194.3); short protein forms E8*.
Identifiers: ClinVar variation 2584246 (VCV002584246.3), dbSNP rs2146156469, ClinGen allele CA411092052.